The following is an entry in ClinVar:

NM_001042492.3(NF1):c.286G>T (p.Gly96Trp)

Gene: NF1 (neurofibromin 1; plus strand). Cytogenetic location: 17q11.2.
Variant type: single nucleotide variant.
Coding change: c.286G>T on transcript NM_001042492.3 (MANE Select); coding-DNA position 286, G replaced by T.
Protein change: p.Gly96Trp; replaces glycine 96 with tryptophan.
Molecular consequence: missense variant.
Genome position (GRCh38, 1-based): chr17:31,159,091, G>T. VCF-style: chr17-31159091-G-T. GRCh37 (hg19) VCF-style: chr17-29486109-G-T.
Other names: c.286G>T, p.Gly96Trp (NM_000267.4, NM_001128147.3); short protein forms G96W.
Identifiers: ClinVar variation 821877 (VCV000821877.4), dbSNP rs1597629902, ClinGen allele CA398989886.

ClinVar aggregate classification (germline): Uncertain significance (1 of 4 stars; one submission).

Conditions:
Cardiovascular phenotype. Identifiers: MedGen CN230736.
Hereditary cancer-predisposing syndrome. Also called: Tumor predisposition; Hereditary Cancer Syndrome; Neoplastic Syndromes, Hereditary; Hereditary neoplastic syndrome. Identifiers: Orphanet 140162, MedGen C0027672, MeSH D009386, MONDO:0015356.

Submission:

Ambry Genetics
Classification: Uncertain significance for Cardiovascular phenotype; Hereditary cancer-predisposing syndrome. Last evaluated: 2018-05-10. Review status: criteria provided, single submitter. Criteria: Ambry Variant Classification Scheme 2023. Collection method: clinical testing. Allele origin: germline.
Comment: The p.G96W variant (also known as c.286G>T), located in coding exon 3 of the NF1 gene, results from a G to T substitution at nucleotide position 286. The glycine at codon 96 is replaced by tryptophan, an amino acid with highly dissimilar properties. This amino acid position is highly conserved in available vertebrate species. In addition, this alteration is predicted to be deleterious by in silico analysis. Since supporting evidence is limited at this time, the clinical significance of this alteration remains unclear.